The following is an entry in ClinVar:

NM_001673.5(ASNS):c.1370_1373del (p.Leu457fs)

Genes: ASNS (asparagine synthetase (glutamine-hydrolyzing); minus strand), CZ1P-ASNS (CZ1P-ASNS readthrough; minus strand). Cytogenetic location: 7q21.3.
Variant type: Deletion.
Coding change: c.1370_1373del on transcript NM_001673.5 (MANE Select); coding-DNA positions 1370 to 1373, 4 bases deleted (TGAT; older notation c.1370_1373delTGAT).
Protein change: p.Leu457fs; shifts the reading frame from leucine 457.
Molecular consequence: frameshift variant. On other transcripts: non-coding transcript variant (1).
Genome position (GRCh38, 1-based): chr7:97,853,163-97,853,166, ATCA deleted on the plus strand (TGAT on the coding strand, the reverse complement: ASNS is on the minus strand). VCF-style (leftmost placement, unchanged base first): chr7-97853162-TATCA-T. GRCh37 (hg19) VCF-style: chr7-97482474-TATCA-T.
Other names: c.1307_1310del, p.Leu436fs (NM_001178075.2); c.1121_1124del, p.Leu374fs (NM_001178076.2, NM_001178077.1); c.1370_1373del, p.Leu457fs (NM_001352496.2, NM_133436.3, NM_183356.4); short protein forms L457fs, L374fs, L436fs.
Identifiers: ClinVar variation 2746536 (VCV002746536.3), dbSNP rs2484629018, ClinGen allele CA2697557436.
Genomic context (GRCh38, chr7:97,853,162, plus strand): 5'-CTTAACTGAAGTTATTCCATCACTGAAGGCTTCTTTTGGTCGCCAGAGAATCTCTTTGGG[TATCA>T]GATTGGAATCCTCAAACGTCTCTCTCAGGAGATGTTTTTCTATCCCATTCTGACGTGACA-3'

ClinVar aggregate classification (germline): Pathogenic (1 of 4 stars; one submission).

Submission:

Labcorp Genetics (formerly Invitae), Labcorp
Classification: Pathogenic. Last evaluated: 2023-10-13. Review status: criteria provided, single submitter. Criteria: Invitae Variant Classification Sherloc (09022015). Collection method: clinical testing. Allele origin: germline.
Comment: This sequence change creates a premature translational stop signal (p.Leu457Hisfs*17) in the ASNS gene. It is expected to result in an absent or disrupted protein product. Loss-of-function variants in ASNS are known to be pathogenic (PMID: 27422383, 30057589). This variant is not present in population databases (gnomAD no frequency). This variant has not been reported in the literature in individuals affected with ASNS-related conditions. For these reasons, this variant has been classified as Pathogenic.

Literature cited by the submitters: PubMed 27422383; PubMed 30057589.